The following is an entry in ClinVar:

NM_004360.5(CDH1):c.1942G>A (p.Glu648Lys)

Gene: CDH1 (cadherin 1; plus strand). Cytogenetic location: 16q22.1.
Variant type: single nucleotide variant.
Coding change: c.1942G>A on transcript NM_004360.5 (MANE Select); coding-DNA position 1942, G replaced by A.
Protein change: p.Glu648Lys; replaces glutamic acid 648 with lysine.
Molecular consequence: missense variant. On other transcripts: 5 prime UTR variant (1).
Genome position (GRCh38, 1-based): chr16:68,823,404, G>A. VCF-style: chr16-68823404-G-A. GRCh37 (hg19) VCF-style: chr16-68857307-G-A.
Other names: c.1759G>A, p.Glu587Lys (NM_001317184.2); c.394G>A, p.Glu132Lys (NM_001317185.2); c.-24G>A (NM_001317186.2); c.1942G>A (NM_004360.3); short protein forms E587K, E132K, E648K.
Identifiers: ClinVar variation 1040325 (VCV001040325.10), dbSNP rs971882211, ClinGen allele CA396467507.

ClinVar aggregate classification (germline): Uncertain significance. Review status: criteria provided, multiple submitters, no conflicts (2 of 4 stars). 2 submissions from 2 submitters: Uncertain significance (2). Last evaluated 2026-07-02.

Conditions:
Hereditary cancer-predisposing syndrome. Also called: Tumor predisposition; Hereditary Cancer Syndrome; Hereditary neoplastic syndrome; Neoplastic Syndromes, Hereditary. Identifiers: Orphanet 140162, MedGen C0027672, MeSH D009386, MONDO:0015356.
Hereditary diffuse gastric adenocarcinoma (HDGC). Also called: DIFFUSE GASTRIC AND LOBULAR BREAST CANCER SYNDROME. Identifiers: Orphanet 26106, MedGen C1708349, MONDO:0007648, OMIM 137215.

Submissions (2):

Ambry Genetics
Classification: Uncertain significance for Hereditary cancer-predisposing syndrome. Last evaluated: 2026-07-02. Review status: criteria provided, single submitter. Criteria: Ambry Variant Classification Scheme 2023. Collection method: clinical testing. Allele origin: germline.
Comment: The p.E648K variant (also known as c.1942G>A), located in coding exon 13 of the CDH1 gene, results from a G to A substitution at nucleotide position 1942. The glutamic acid at codon 648 is replaced by lysine, an amino acid with similar properties. This amino acid position is conserved. In addition, this alteration is predicted to be tolerated by in silico analysis. Based on the available evidence, the clinical significance of this variant remains unclear.

Labcorp Genetics (formerly Invitae), Labcorp
Classification: Uncertain significance for Hereditary diffuse gastric adenocarcinoma. Last evaluated: 2020-08-23. Review status: criteria provided, single submitter. Criteria: Invitae Variant Classification Sherloc (09022015). Collection method: clinical testing. Allele origin: germline.
Comment: This sequence change replaces glutamic acid with lysine at codon 648 of the CDH1 protein (p.Glu648Lys). The glutamic acid residue is moderately conserved and there is a small physicochemical difference between glutamic acid and lysine. This variant is not present in population databases (ExAC no frequency). This variant has not been reported in the literature in individuals with CDH1-related conditions. Algorithms developed to predict the effect of missense changes on protein structure and function (SIFT, PolyPhen-2, Align-GVGD) all suggest that this variant is likely to be tolerated, but these predictions have not been confirmed by published functional studies and their clinical significance is uncertain. In summary, the available evidence is currently insufficient to determine the role of this variant in disease. Therefore, it has been classified as a Variant of Uncertain Significance.